The following is an entry in ClinVar:

NM_002230.4(JUP):c.1668G>A (p.Met556Ile)

Gene: JUP (junction plakoglobin; minus strand). Cytogenetic location: 17q21.2.
Variant type: single nucleotide variant.
Coding change: c.1668G>A on transcript NM_002230.4 (MANE Select); coding-DNA position 1668, G replaced by A.
Protein change: p.Met556Ile; replaces methionine 556 with isoleucine.
Molecular consequence: missense variant.
Genome position (GRCh38, 1-based): chr17:41,758,504, C>T on the plus strand (G>A on the coding strand, the complement: JUP is on the minus strand). VCF-style: chr17-41758504-C-T. GRCh37 (hg19) VCF-style: chr17-39914756-C-T.
Other names: c.1668G>A, p.Met556Ile (NM_001352773.2, NM_001352774.2, NM_001352775.2 and 3 more transcripts); short protein forms M556I.
Identifiers: ClinVar variation 5022913 (VCV005022913.1).

ClinVar aggregate classification (germline): Uncertain significance (1 of 4 stars; one submission).

Conditions:
Cardiovascular phenotype. Identifiers: MedGen CN230736.

Submission:

Ambry Genetics
Classification: Uncertain significance for Cardiovascular phenotype. Last evaluated: 2026-06-20. Review status: criteria provided, single submitter. Criteria: Ambry Variant Classification Scheme 2023. Collection method: clinical testing. Allele origin: germline.
Comment: The p.M556I variant (also known as c.1668G>A), located in coding exon 9 of the JUP gene, results from a G to A substitution at nucleotide position 1668. The methionine at codon 556 is replaced by isoleucine, an amino acid with highly similar properties. This amino acid position is conserved. In addition, this alteration is predicted to be deleterious by in silico analysis. Based on the available evidence, the clinical significance of this variant remains unclear.